The following is an entry in ClinVar:

GRCh38/hg38 1p36.33-36.32(chr1:872305-3054463)x1

Genes: ACAP3 (ArfGAP with coiled-coil, ankyrin repeat and PH domains 3; minus strand), ACTRT2 (actin related protein T2; plus strand), AGRN (agrin; plus strand), ANKRD65 (ankyrin repeat domain 65; minus strand), ANKRD65-AS1 (ANKRD65 antisense RNA 1; plus strand) and 251 more. Cytogenetic location: 1p36.33-36.32.
Variant type: copy number loss.
Change: copy number 1 (one copy instead of two) of chr1:872,305-3,054,463 (2.18 Mb, GRCh38 coordinates, 1-based), cytogenetic band 1p36.33-36.32.
Identifiers: ClinVar variation 58313 (VCV000058313.2).

ClinVar aggregate classification (germline): Pathogenic (1 of 4 stars; one submission).

Submission:

ISCA Site 6
Classification: Pathogenic. Last evaluated: 2011-08-12. Review status: criteria provided, single submitter. Criteria: Kaminsky et al. (Genet Med. 2011). Collection method: clinical testing. Allele origin: unknown. Affected: yes. Observed: 1 variant allele.
Comment: Copy number variation identified through the course of routine clinical cytogenomic testing in postnatal populations. Clinical assertions have been curated as described in Kaminsky et al. 2011.